The following is an entry in ClinVar:

NM_014363.6(SACS):c.9266del (p.Pro3089fs)

Gene: SACS (sacsin molecular chaperone; minus strand). Cytogenetic location: 13q12.12.
Variant type: Deletion.
Coding change: c.9266del on transcript NM_014363.6 (MANE Select); coding-DNA position 9266, one base deleted (C; older notation c.9266delC).
Protein change: p.Pro3089fs; shifts the reading frame from proline 3089.
Molecular consequence: frameshift variant.
Genome position (GRCh38, 1-based): chr13:23,334,610, G deleted on the plus strand (C on the coding strand, the reverse complement: SACS is on the minus strand); the first of 2 consecutive G bases (chr13:23,334,610-23,334,611); deleting either gives the same sequence. VCF-style (leftmost placement, unchanged base first): chr13-23334609-AG-A. GRCh37 (hg19) VCF-style: chr13-23908748-AG-A.
Other names: c.8825del, p.Pro2942fs (NM_001278055.2); short protein forms P3089fs, P2942fs.
Identifiers: ClinVar variation 2115825 (VCV002115825.5), dbSNP rs2542205075, ClinGen allele CA2580086898.

ClinVar aggregate classification (germline): Pathogenic/Likely pathogenic. Review status: criteria provided, multiple submitters, no conflicts (2 of 4 stars). 2 submissions from 2 submitters: Pathogenic (1); Likely pathogenic (1). Last evaluated 2023-02-08.

Conditions:
Charlevoix-Saguenay spastic ataxia (SACS). Also called: SPASTIC ATAXIA 6, AUTOSOMAL RECESSIVE; Spastic ataxia of Charlevoix-Saguenay; AUTOSOMAL RECESSIVE SPASTIC ATAXIA OF CHARLEVOIX-SAGUENAY. Identifiers: Orphanet 98, MedGen C1849140, MONDO:0010041, OMIM 270550.
Spastic paraplegia. Identifiers: MedGen C0037772, HP:0001258.

Submissions (2):

Baylor Genetics
Classification: Likely pathogenic for Charlevoix-Saguenay spastic ataxia. Last evaluated: 2023-02-08. Review status: criteria provided, single submitter. Criteria: ACMG Guidelines, 2015. Collection method: clinical testing. Allele origin: unknown.

Labcorp Genetics (formerly Invitae), Labcorp
Classification: Pathogenic for Spastic paraplegia. Last evaluated: 2022-07-06. Review status: criteria provided, single submitter. Criteria: Invitae Variant Classification Sherloc (09022015). Collection method: clinical testing. Allele origin: germline.
Comment: For these reasons, this variant has been classified as Pathogenic. This variant disrupts a region of the SACS protein in which other variant(s) (p.Asn4549Asp) have been determined to be pathogenic (PMID: 15156359, 21507954). This suggests that this is a clinically significant region of the protein, and that variants that disrupt it are likely to be disease-causing. This variant has not been reported in the literature in individuals affected with SACS-related conditions. This variant is not present in population databases (gnomAD no frequency). This sequence change creates a premature translational stop signal (p.Pro3089Leufs*5) in the SACS gene. While this is not anticipated to result in nonsense mediated decay, it is expected to disrupt the last 1491 amino acid(s) of the SACS protein.

Literature cited by the submitters: PubMed 15156359 (cited by Labcorp Genetics (formerly Invitae), Labcorp); PubMed 21507954 (cited by Labcorp Genetics (formerly Invitae), Labcorp).